The following is an entry in ClinVar:

NM_000059.4(BRCA2):c.712G>C (p.Glu238Gln)

Gene: BRCA2 (BRCA2 DNA repair associated; plus strand). Cytogenetic location: 13q13.1.
Variant type: single nucleotide variant.
Coding change: c.712G>C on transcript NM_000059.4 (MANE Select); coding-DNA position 712, G replaced by C.
Protein change: p.Glu238Gln; replaces glutamic acid 238 with glutamine.
Molecular consequence: missense variant.
Genome position (GRCh38, 1-based): chr13:32,330,949, G>C. VCF-style: chr13-32330949-G-C. GRCh37 (hg19) VCF-style: chr13-32905086-G-C.
Other names: short protein forms E238Q.
Identifiers: ClinVar variation 483095 (VCV000483095.22), dbSNP rs56383036, ClinGen allele CA6940437.
Genomic context (GRCh38, chr13:32,330,949, plus strand): 5'-ACTAGTGATTTTAAACTATAATTTTTGCAGAATGTGAAAAGCTATTTTTCCAATCATGAT[G>C]AAAGTCTGAAGAAAAATGATAGATTTATCGCTTCTGTGACAGACAGTGAAAACACAAATC-3'
Protein context (NP_000050.3, residues 228-248): NVKSYFSNHD[Glu238Gln]SLKKNDRFIA

ClinVar aggregate classification (germline): Uncertain significance. Review status: criteria provided, multiple submitters, no conflicts (2 of 4 stars). 5 submissions from 5 submitters: Uncertain significance (5). Last evaluated 2024-12-01.

Conditions:
Familial cancer of breast. Also called: BREAST CANCER, FAMILIAL; Hereditary breast cancer; hereditary breast carcinoma. Identifiers: Orphanet 227535, MedGen C0346153, MONDO:0016419, OMIM 114480. Disease mechanism: loss of function.
Hereditary cancer-predisposing syndrome. Also called: Hereditary neoplastic syndrome; Neoplastic Syndromes, Hereditary; Tumor predisposition; Hereditary Cancer Syndrome. Identifiers: Orphanet 140162, MedGen C0027672, MeSH D009386, MONDO:0015356.
Hereditary breast ovarian cancer syndrome. Also called: Hereditary breast and ovarian cancer syndrome (HBOC); Breast and ovarian cancer; Hereditary breast and ovarian cancer syndrome; Hereditary breast and ovarian cancer; Hereditary breast and/or ovarian cancer syndrome; BRCA1- and BRCA2-Associated Hereditary Breast and Ovarian Cancer. Identifiers: Orphanet 145, MedGen C0677776, MeSH D061325, MONDO:0003582. Disease mechanism: loss of function.
Breast-ovarian cancer, familial, susceptibility to, 2 (BROVCA2). Also called: BRCA2 Hereditary Breast and Ovarian Cancer. Identifiers: Orphanet 145, MedGen C2675520, MONDO:0012933, OMIM 612555. Disease mechanism: loss of function.

Allele frequency attached by ClinVar (database versions not stated): gnomAD exomes below 0.00001 and 0.00001; ExAC 0.00001.
gnomAD v4.1: 1 of 1,612,782 alleles (0.000062%); highest among the groups gnomAD compares: African/African-American, 0.0013%; no homozygotes.

Submissions (5):

Ambry Genetics
Classification: Uncertain significance for Hereditary cancer-predisposing syndrome. Last evaluated: 2024-12-01. Review status: criteria provided, single submitter. Criteria: Ambry Variant Classification Scheme 2023. Collection method: clinical testing. Allele origin: germline.
Comment: The p.E238Q variant (also known as c.712G>C), located in coding exon 8 of the BRCA2 gene, results from a G to C substitution at nucleotide position 712. The glutamic acid at codon 238 is replaced by glutamine, an amino acid with highly similar properties. This amino acid position is not well conserved in available vertebrate species. In addition, this alteration is predicted to be tolerated by in silico analysis. Based on the available evidence, the clinical significance of this variant remains unclear.

Labcorp Genetics (formerly Invitae), Labcorp
Classification: Uncertain significance for Hereditary breast ovarian cancer syndrome. Last evaluated: 2024-01-11. Review status: criteria provided, single submitter. Criteria: Invitae Variant Classification Sherloc (09022015). Collection method: clinical testing. Allele origin: germline.
Comment: This sequence change replaces glutamic acid, which is acidic and polar, with glutamine, which is neutral and polar, at codon 238 of the BRCA2 protein (p.Glu238Gln). This variant is present in population databases (rs56383036, gnomAD 0.01%). This variant has not been reported in the literature in individuals affected with BRCA2-related conditions. ClinVar contains an entry for this variant (Variation ID: 483095). Advanced modeling of protein sequence and biophysical properties (such as structural, functional, and spatial information, amino acid conservation, physicochemical variation, residue mobility, and thermodynamic stability) performed at Invitae indicates that this missense variant is not expected to disrupt BRCA2 protein function with a negative predictive value of 95%. In summary, the available evidence is currently insufficient to determine the role of this variant in disease. Therefore, it has been classified as a Variant of Uncertain Significance.

Baylor Genetics
Classification: Uncertain significance for Familial cancer of breast. Last evaluated: 2024-01-05. Review status: criteria provided, single submitter. Criteria: ACMG Guidelines, 2015. Collection method: clinical testing. Allele origin: unknown.

All of Us Research Program, National Institutes of Health
Classification: Uncertain significance for Breast-ovarian cancer, familial, susceptibility to, 2. Last evaluated: 2023-06-26. Review status: criteria provided, single submitter. Criteria: ACMG Guidelines, 2015. Collection method: clinical testing. Allele origin: germline. Inheritance: Autosomal dominant inheritance. Observed: 1 variant allele, 1 heterozygote.
Comment: This missense variant replaces glutamic acid with glutamine at codon 238 of the BRCA2 protein. Computational prediction suggests that this variant may not impact protein structure and function (internally defined REVEL score threshold <= 0.5, PMID: 27666373). To our knowledge, functional studies have not been reported for this variant. This variant has not been reported in individuals affected with BRCA2-related disorders in the literature. This variant has been identified in 2/250424 chromosomes in the general population by the Genome Aggregation Database (gnomAD). The available evidence is insufficient to determine the role of this variant in disease conclusively. Therefore, this variant is classified as a Variant of Uncertain Significance.

This study involves interpretation of variants in research participants for the purpose of population health screening. Participant phenotype was not available at the time of variant classification. Additional details can be found in publication PMID: 35346344, PMCID: PMC8962531

GeneDx
Classification: Uncertain significance. Last evaluated: 2021-01-08. Review status: criteria provided, single submitter. Criteria: GeneDx Variant Classification Process June 2021. Collection method: clinical testing. Allele origin: germline. Affected: yes.
Comment: Not observed at a significant frequency in large population cohorts (Lek et al., 2016); In silico analysis supports that this missense variant does not alter protein structure/function; Has not been previously published as pathogenic or benign to our knowledge; Also known as 940G>C